The following is an entry in ClinVar:

NM_000051.4(ATM):c.7094T>A (p.Val2365Glu)

Genes: ATM (ATM serine/threonine kinase; plus strand), C11orf65 (chromosome 11 open reading frame 65; minus strand). Cytogenetic location: 11q22.3.
Variant type: single nucleotide variant.
Coding change: c.7094T>A on transcript NM_000051.4 (MANE Select); coding-DNA position 7094, T replaced by A.
Protein change: p.Val2365Glu; replaces valine 2365 with glutamic acid.
Molecular consequence: missense variant. On other transcripts: intron variant (2).
Genome position (GRCh38, 1-based): chr11:108,329,025, T>A. VCF-style: chr11-108329025-T-A. GRCh37 (hg19) VCF-style: chr11-108199752-T-A.
Other names: c.7094T>A, p.Val2365Glu (NM_001351834.2); c.641-19954A>T (NM_001330368.2); c.*38+6195A>T (NM_001351110.2); short protein forms V2365E.
Identifiers: ClinVar variation 1484597 (VCV001484597.8), dbSNP rs2136410055, ClinGen allele CA382559384.

ClinVar aggregate classification (germline): Uncertain significance (1 of 4 stars; one submission).

Conditions:
Ataxia-telangiectasia syndrome (AT). Also called: LOUIS-BAR SYNDROME; Cerebello-oculocutaneous telangiectasia; Immunodeficiency with ataxia telangiectasia; Ataxia telangiectasia (A-T); Ataxia-telangiectasia, complementation group D; AT, COMPLEMENTATION GROUP C. Identifiers: Orphanet 100, MedGen C0004135, MONDO:0008840, OMIM 208900.

Submission:

Labcorp Genetics (formerly Invitae), Labcorp
Classification: Uncertain significance for Ataxia-telangiectasia syndrome. Last evaluated: 2021-01-01. Review status: criteria provided, single submitter. Criteria: Invitae Variant Classification Sherloc (09022015). Collection method: clinical testing. Allele origin: germline.
Comment: This variant has not been reported in the literature in individuals with ATM-related conditions. This variant is not present in population databases (ExAC no frequency). This sequence change replaces valine with glutamic acid at codon 2365 of the ATM protein (p.Val2365Glu). The valine residue is moderately conserved and there is a moderate physicochemical difference between valine and glutamic acid. In summary, the available evidence is currently insufficient to determine the role of this variant in disease. Therefore, it has been classified as a Variant of Uncertain Significance. Advanced modeling of protein sequence and biophysical properties (such as structural, functional, and spatial information, amino acid conservation, physicochemical variation, residue mobility, and thermodynamic stability) performed at Invitae indicates that this missense variant is not expected to disrupt ATM protein function.